The following is an entry in ClinVar:

NM_006642.5(SDCCAG8):c.2112+9C>G

Genes: AKT3 (AKT serine/threonine kinase 3; minus strand), SDCCAG8 (SHH signaling and ciliogenesis regulator SDCCAG8; plus strand). Cytogenetic location: 1q43.
Variant type: single nucleotide variant.
Coding change: c.2112+9C>G on transcript NM_006642.5 (MANE Select); 9 bases into the intron after coding-DNA position 2112, C replaced by G.
Molecular consequence: intron variant.
Genome position (GRCh38, 1-based): chr1:243,489,149, C>G. VCF-style: chr1-243489149-C-G. GRCh37 (hg19) VCF-style: chr1-243652451-C-G.
Other names: c.1209+9C>G (NM_001350247.2, NM_001350251.2, NM_001350246.2); c.*7-699G>C (NM_181690.2); c.1818+9C>G (NM_001350249.2); c.2208+9C>G (NM_001350248.2).
Identifiers: ClinVar variation 3356741 (VCV003356741.1).

ClinVar aggregate classification (germline): Likely benign (0 of 4 stars; one submission).

Conditions:
SDCCAG8-related disorder. Also called: SDCCAG8-related condition; SDCCAG8-Related Disorders.

gnomAD v4.1: 3 of 1,611,438 alleles (0.00019%); highest among the groups gnomAD compares: African/African-American, 0.0027%; no homozygotes.

Submission:

PreventionGenetics, part of Exact Sciences
Classification: Likely benign for SDCCAG8-related condition. Last evaluated: 2023-02-01. Review status: no assertion criteria provided. Collection method: clinical testing. Allele origin: germline.
Comment: This variant is classified as likely benign based on ACMG/AMP sequence variant interpretation guidelines (Richards et al. 2015 PMID: 25741868, with internal and published modifications).